The following is an entry in ClinVar:

ClinVar aggregate classification (germline): Likely benign (1 of 4 stars; one submission).

Submission:

CeGaT Center for Human Genetics Tuebingen
Classification: Likely benign. Last evaluated: 2025-10-01. Review status: criteria provided, single submitter. Criteria: CeGaT Center For Human Genetics Tuebingen Variant Classification Criteria Version 2. Collection method: clinical testing. Allele origin: germline. Affected: yes. Observed: 1 variant allele.
Comment: TFE3: BP4, BS2

NM_006521.6(TFE3):c.667G>A (p.Ala223Thr)

Gene: TFE3 (transcription factor binding to IGHM enhancer 3; minus strand). Cytogenetic location: Xp11.23.
Variant type: single nucleotide variant.
Coding change: c.667G>A on transcript NM_006521.6 (MANE Select); coding-DNA position 667, G replaced by A.
Protein change: p.Ala223Thr; replaces alanine 223 with threonine.
Molecular consequence: missense variant.
Genome position (GRCh38, 1-based): chrX:49,038,310, C>T on the plus strand (G>A on the coding strand, the complement: TFE3 is on the minus strand). VCF-style: chrX-49038310-C-T. GRCh37 (hg19) VCF-style: chrX-48895835-C-T.
Other names: c.352G>A, p.Ala118Thr (NM_001282142.2); short protein forms A118T, A223T.
Identifiers: ClinVar variation 4533590 (VCV004533590.6).